The following is an entry in ClinVar:

ClinVar aggregate classification (germline): Pathogenic/Likely pathogenic. Review status: criteria provided, multiple submitters, no conflicts (2 of 4 stars). 2 submissions from 2 submitters: Pathogenic (1); Likely pathogenic (1). Last evaluated 2024-11-21.

Conditions:
KIAA0753-related disorder.

Submissions (2):

Labcorp Genetics (formerly Invitae), Labcorp
Classification: Pathogenic. Last evaluated: 2024-11-21. Review status: criteria provided, single submitter. Criteria: Invitae Variant Classification Sherloc (09022015). Collection method: clinical testing. Allele origin: germline.
Comment: This sequence change creates a premature translational stop signal (p.Thr186Lysfs*20) in the KIAA0753 gene. It is expected to result in an absent or disrupted protein product. Loss-of-function variants in KIAA0753 are known to be pathogenic (PMID: 29138412). This variant is present in population databases (no rsID available, gnomAD 0.0009%). This variant has not been reported in the literature in individuals affected with KIAA0753-related conditions. For these reasons, this variant has been classified as Pathogenic.

Blueprint Genetics
Classification: Likely pathogenic for KIAA0753-related disorders. Last evaluated: 2022-07-26. Review status: criteria provided, single submitter. Criteria: ACMG Guidelines, 2015. Collection method: clinical testing. Allele origin: germline. Affected: yes. Observed: 1 variant allele.

Literature cited by the submitters: PubMed 29138412 (cited by Labcorp Genetics (formerly Invitae), Labcorp).

NM_014804.3(KIAA0753):c.556_557insAA (p.Thr186fs)

Gene: KIAA0753 (KIAA0753; minus strand). Cytogenetic location: 17p13.1.
Variant type: Insertion.
Coding change: c.556_557insAA on transcript NM_014804.3 (MANE Select); coding-DNA positions 556 to 557, AA inserted.
Protein change: p.Thr186fs; shifts the reading frame from threonine 186.
Molecular consequence: frameshift variant. On other transcripts: 5 prime UTR variant (1), non-coding transcript variant (3).
Genome position: GRCh38 VCF-style: chr17-6628278-G-GTT. GRCh37 (hg19) VCF-style: chr17-6531598-G-GTT.
Other names: c.-679_-678insAA (NM_001351225.2); short protein forms T186fs.
Identifiers: ClinVar variation 3673752 (VCV003673752.3).